The following is an entry in ClinVar:

ClinVar aggregate classification (germline): Likely benign. Review status: criteria provided, multiple submitters, no conflicts (2 of 4 stars). 2 submissions from 2 submitters: Likely benign (2). Last evaluated 2025-07-27.

Conditions:
Hypertrophic cardiomyopathy. Also called: HYPERTROPHIC MYOCARDIOPATHY. Identifiers: Orphanet 217569, MedGen C0007194, MeSH D002312, MONDO:0005045, HP:0001639.

Submissions (2):

Labcorp Genetics (formerly Invitae), Labcorp
Classification: Likely benign for Hypertrophic cardiomyopathy. Last evaluated: 2025-07-27. Review status: criteria provided, single submitter. Criteria: Invitae Variant Classification Sherloc (09022015). Collection method: clinical testing. Allele origin: germline.

All of Us Research Program, National Institutes of Health
Classification: Likely benign for Hypertrophic cardiomyopathy. Last evaluated: 2023-07-10. Review status: criteria provided, single submitter. Criteria: ACMG Guidelines, 2015. Collection method: clinical testing. Allele origin: germline. Inheritance: Autosomal dominant inheritance. Observed: 1 variant allele, 1 heterozygote.
Comment: This study involves interpretation of variants in research participants for the purpose of population health screening. Participant phenotype was not available at the time of variant classification. Additional details can be found in publication PMID: 35346344, PMCID: PMC8962531

NM_000256.3(MYBPC3):c.506-8del

Gene: MYBPC3 (myosin binding protein C3; minus strand). Cytogenetic location: 11p11.2.
Variant type: Deletion.
Coding change: c.506-8del on transcript NM_000256.3 (MANE Select); 8 bases into the intron before coding-DNA position 506, one base deleted (C; older notation c.506-8delC).
Molecular consequence: intron variant.
Genome position (GRCh38, 1-based): chr11:47,349,930, G deleted on the plus strand (C on the coding strand, the reverse complement: MYBPC3 is on the minus strand); the first of 2 consecutive G bases (chr11:47,349,930-47,349,931); deleting either gives the same sequence. VCF-style (leftmost placement, unchanged base first): chr11-47349929-AG-A. GRCh37 (hg19) VCF-style: chr11-47371480-AG-A.
Identifiers: ClinVar variation 2722814 (VCV002722814.4), dbSNP rs752908508, ClinGen allele CA055821.
Genomic context (GRCh38, chr11:47,349,929, plus strand): 5'-GCGGCTTCAGGAGGCTGGCGCCGGCCACGCGGGCTGAGAAGGTGATGCTGCCACCTGCAA[AG>A]GCAGGGGCGACAGGCCCGGCTTGGGGAGTGTCCTGCTGCCCCCCCTTCCCACCCCAATGC-3'